The following is an entry in ClinVar:

ClinVar aggregate classification (germline): Benign/Likely benign. Review status: criteria provided, multiple submitters, no conflicts (2 of 4 stars). 8 submissions from 8 submitters: Benign (5); Likely benign (3). Last evaluated 2026-09-01.

Conditions:
Focal segmental glomerulosclerosis 1 (FSGS1). Identifiers: Orphanet 656, MedGen C4551527, MONDO:0011303, OMIM 603278.
Focal segmental glomerulosclerosis (FSGS). Also called: Glomerulosclerosis, focal; Focal sclerosis with hyalinosis. Identifiers: MedGen C0017668, MONDO:0100313, HP:0000097. Disease mechanism: loss of function.

Allele frequency attached by ClinVar (database versions not stated): 1000 Genomes Project 30x 0.00437; 1000 Genomes Project 0.00499; TOPMed 0.00584; gnomAD 0.00665 and 0.00666; ESP Exome Variant Server 0.00830; gnomAD exomes 0.00842 and 0.00987; ExAC 0.00992.

Submissions (8):

CeGaT Center for Human Genetics Tuebingen
Classification: Benign. Last evaluated: 2026-09-01. Review status: criteria provided, single submitter. Criteria: CeGaT Center For Human Genetics Tuebingen Variant Classification Criteria Version 2. Collection method: clinical testing. Allele origin: germline. Affected: yes. Observed: 3 variant alleles.
Comment: ACTN4: BP4, BP7, BS1, BS2

Labcorp Genetics (formerly Invitae), Labcorp
Classification: Benign. Last evaluated: 2026-01-15. Review status: criteria provided, single submitter. Criteria: Invitae Variant Classification Sherloc (09022015). Collection method: clinical testing. Allele origin: germline.

Blueprint Genetics
Classification: Likely benign. Last evaluated: 2024-11-27. Review status: criteria provided, single submitter. Criteria: ACMG Guidelines, 2015. Collection method: clinical testing. Allele origin: germline.

Mayo Clinic Laboratories, Mayo Clinic
Classification: Benign. Last evaluated: 2023-01-16. Review status: criteria provided, single submitter. Criteria: ACMG Guidelines, 2015. Collection method: clinical testing. Allele origin: germline. Observed: 3 variant alleles.
Comment: BS1, BS2, BP4, BP7

Genome-Nilou Lab
Classification: Benign for Focal segmental glomerulosclerosis 1. Last evaluated: 2021-12-05. Review status: criteria provided, single submitter. Criteria: ACMG Guidelines, 2015. Collection method: clinical testing. Allele origin: germline. Affected: no.

GeneDx
Classification: Likely benign. Last evaluated: 2021-11-08. Review status: criteria provided, single submitter. Criteria: GeneDx Variant Classification Process June 2021. Collection method: clinical testing. Allele origin: germline. Affected: yes.

Genome Diagnostics Laboratory, The Hospital for Sick Children
Classification: Likely benign for Focal segmental glomerulosclerosis. Last evaluated: 2020-12-15. Review status: criteria provided, single submitter. Criteria: ACMG Guidelines, 2015. Collection method: clinical testing. Allele origin: germline.

PreventionGenetics, part of Exact Sciences
Classification: Benign. Review status: criteria provided, single submitter. Criteria: ACMG Guidelines, 2015. Collection method: clinical testing. Allele origin: germline.

NM_004924.6(ACTN4):c.1998G>A (p.Gln666=)

Gene: ACTN4 (actinin alpha 4; plus strand). Cytogenetic location: 19q13.2.
Variant type: single nucleotide variant.
Coding change: c.1998G>A on transcript NM_004924.6 (MANE Select); coding-DNA position 1998, G replaced by A.
Protein change: p.Gln666=; no amino-acid change (glutamine 666 retained).
Molecular consequence: synonymous variant.
Genome position (GRCh38, 1-based): chr19:38,724,553, G>A. VCF-style: chr19-38724553-G-A. GRCh37 (hg19) VCF-style: chr19-39215193-G-A.
Other names: p.Gln666=; c.1998G>A, p.Gln666= (NM_001322033.2).
Identifiers: ClinVar variation 259572 (VCV000259572.30), dbSNP rs145474119, ClinGen allele CA9417844.